The following is an entry in ClinVar:

NM_006514.4(SCN10A):c.3761C>G (p.Ala1254Gly)

Gene: SCN10A (sodium voltage-gated channel alpha subunit 10; minus strand). Cytogenetic location: 3p22.2.
Variant type: single nucleotide variant.
Coding change: c.3761C>G on transcript NM_006514.4 (MANE Select); coding-DNA position 3761, C replaced by G.
Protein change: p.Ala1254Gly; replaces alanine 1254 with glycine.
Molecular consequence: missense variant.
Genome position (GRCh38, 1-based): chr3:38,714,001, G>C on the plus strand (C>G on the coding strand, the complement: SCN10A is on the minus strand). VCF-style: chr3-38714001-G-C. GRCh37 (hg19) VCF-style: chr3-38755492-G-C.
Other names: c.3758C>G, p.Ala1253Gly (NM_001293306.2); c.3467C>G, p.Ala1156Gly (NM_001293307.2); short protein forms A1253G, A1254G, A1156G.
Identifiers: ClinVar variation 1734678 (VCV001734678.3), dbSNP rs769655303, ClinGen allele CA2320127.
Genomic context (GRCh38, chr3:38,714,001, plus strand): 5'-TTTGAGATCAGACTTACCCGCATGCCTTCAAATCGAGAAAGAGCCCGCAGTGGCCGCAGA[G>C]CGCGAAGGGTTCGAAGGGCTTTGATGGGAGCCACTTCAGAATATTCCAGAATCTTCGCTG-3'
Protein context (NP_006505.4, residues 1244-1264): APIKALRTLR[Ala1254Gly]LRPLRALSRF

ClinVar aggregate classification (germline): Uncertain significance (1 of 4 stars; one submission).

Conditions:
Cardiovascular phenotype. Identifiers: MedGen CN230736.

Allele frequency attached by ClinVar (database versions not stated): ExAC 0.00001; gnomAD 0.00001; gnomAD exomes 0.00001.
gnomAD v4.1: 13 of 1,613,962 alleles (0.00081%); highest among the groups gnomAD compares: Non-Finnish European, 0.001%; no homozygotes.

Submission:

Ambry Genetics
Classification: Uncertain significance for Cardiovascular phenotype. Last evaluated: 2024-11-17. Review status: criteria provided, single submitter. Criteria: Ambry Variant Classification Scheme 2023. Collection method: clinical testing. Allele origin: germline.
Comment: The p.A1254G variant (also known as c.3761C>G), located in coding exon 21 of the SCN10A gene, results from a C to G substitution at nucleotide position 3761. The alanine at codon 1254 is replaced by glycine, an amino acid with similar properties. This amino acid position is highly conserved in available vertebrate species. In addition, this alteration is predicted to be deleterious by in silico analysis. Since supporting evidence is limited at this time, the clinical significance of this alteration remains unclear.